The following is an entry in ClinVar:

NM_001356.5(DDX3X):c.45+1G>A

Gene: DDX3X (DEAD-box helicase 3 X-linked; plus strand). Cytogenetic location: Xp11.4.
Variant type: single nucleotide variant.
Coding change: c.45+1G>A on transcript NM_001356.5 (MANE Select); the canonical splice donor site of the intron after coding-DNA position 45, G replaced by A.
Molecular consequence: splice donor variant.
Genome position (GRCh38, 1-based): chrX:41,334,298, G>A. VCF-style: chrX-41334298-G-A. GRCh37 (hg19) VCF-style: chrX-41193551-G-A.
Other names: c.45+1G>A (NM_001193416.3, NM_001193417.3); c.-1859+1G>A (NM_001363819.1).
Identifiers: ClinVar variation 3342381 (VCV003342381.1).

ClinVar aggregate classification (germline): Pathogenic (1 of 4 stars; one submission).

Submission:

GeneDx
Classification: Pathogenic. Last evaluated: 2024-01-29. Review status: criteria provided, single submitter. Criteria: GeneDx Variant Classification Process June 2021. Collection method: clinical testing. Allele origin: germline. Affected: yes.
Comment: Canonical splice site variant predicted to result in a null allele in a gene for which loss of function is a known mechanism of disease; Not observed at significant frequency in large population cohorts (gnomAD); This variant is associated with the following publications: (PMID: 33504798)